The following is an entry in ClinVar:

ClinVar aggregate classification (germline): Uncertain significance (1 of 4 stars; one submission).

Allele frequency attached by ClinVar (database versions not stated): gnomAD exomes below 0.00001; TOPMed below 0.00001.

Submission:

GeneDx
Classification: Uncertain significance. Last evaluated: 2022-05-19. Review status: criteria provided, single submitter. Criteria: GeneDx Variant Classification Process June 2021. Collection method: clinical testing. Allele origin: germline. Affected: yes.
Comment: Not observed at significant frequency in large population cohorts (gnomAD); In silico analysis supports that this missense variant has a deleterious effect on protein structure/function; Has not been previously published as pathogenic or benign to our knowledge

NM_017649.5(CNNM2):c.760C>G (p.Pro254Ala)

Gene: CNNM2 (cyclin and CBS domain divalent metal cation transport mediator 2; plus strand). Cytogenetic location: 10q24.32.
Variant type: single nucleotide variant.
Coding change: c.760C>G on transcript NM_017649.5 (MANE Select); coding-DNA position 760, C replaced by G.
Protein change: p.Pro254Ala; replaces proline 254 with alanine.
Molecular consequence: missense variant.
Genome position (GRCh38, 1-based): chr10:102,919,240, C>G. VCF-style: chr10-102919240-C-G. GRCh37 (hg19) VCF-style: chr10-104678997-C-G.
Other names: c.760C>G, p.Pro254Ala (NM_199076.3, NM_199077.3); short protein forms P254A.
Identifiers: ClinVar variation 1800548 (VCV001800548.1), dbSNP rs1420464428, ClinGen allele CA377957669.